The following is an entry in ClinVar:

NM_201596.3(CACNB2):c.1855_1857del (p.Asn619del)

Gene: CACNB2 (calcium voltage-gated channel auxiliary subunit beta 2; plus strand). Cytogenetic location: 10p12.31.
Variant type: Deletion.
Coding change: c.1855_1857del on transcript NM_201596.3 (MANE Select); coding-DNA positions 1855 to 1857, 3 bases deleted (AAC; older notation c.1855_1857delAAC).
Protein change: p.Asn619del; deletes asparagine 619.
Molecular consequence: inframe deletion. On other transcripts: inframe indel (1).
Genome position (GRCh38, 1-based): chr10:18,539,596-18,539,598, AAC deleted; deleting any 3 consecutive bases within chr10:18,539,594-18,539,598 gives the same sequence; the c. name uses the placement nearest the transcript's 3' end. VCF-style (leftmost placement, unchanged base first): chr10-18539593-CACA-C. GRCh37 (hg19) VCF-style: chr10-18828522-CACA-C.
Other names: c.1690_1692del, p.Asn564del (NM_000724.4); c.1657_1659del, p.Asn553del (NM_001167945.2); c.1576_1578del, p.Asn526del (NM_001330060.2); c.1597_1599delAAC, p.Asn533del (NM_001410882.1); c.1711_1713del, p.Asn571del (NM_201570.3); c.1771_1773del, p.Asn591del (NM_201571.4); c.1699_1701del, p.Asn567del (NM_201572.4); c.1693_1695del, p.Asn565del (NM_201590.3); and 3 more; short protein forms N526del, N567del, N595del, N571del, N533del, N564del, N565del, N591del.
Identifiers: ClinVar variation 2139931 (VCV002139931.6), dbSNP rs777478383, ClinGen allele CA5430185.

ClinVar aggregate classification (germline): Uncertain significance. Review status: criteria provided, multiple submitters, no conflicts (2 of 4 stars). 2 submissions from 2 submitters: Uncertain significance (2). Last evaluated 2025-08-28.

Conditions:
CACNB2-related disorder. Also called: CACNB2-related condition.
Brugada syndrome 4 (BRGDA4). Identifiers: Orphanet 130, MedGen C2678477, MONDO:0012743, OMIM 611876.

Submissions (2):

PreventionGenetics, part of Exact Sciences
Classification: Uncertain significance for CACNB2-related condition. Last evaluated: 2025-08-28. Review status: criteria provided, single submitter. Criteria: ACMG Guidelines, 2015. Collection method: clinical testing. Allele origin: germline.
Comment: The CACNB2 c.1693_1695delAAC variant is predicted to result in an in-frame deletion (p.Asn565del). To our knowledge, this variant has not been reported in the literature. This variant is reported in 0.0018% of alleles in individuals of European (Non-Finnish) descent in gnomAD. At this time, the clinical significance of this variant is uncertain due to the absence of conclusive functional and genetic evidence.

Labcorp Genetics (formerly Invitae), Labcorp
Classification: Uncertain significance for Brugada syndrome 4. Last evaluated: 2024-07-19. Review status: criteria provided, single submitter. Criteria: Invitae Variant Classification Sherloc (09022015). Collection method: clinical testing. Allele origin: germline.
Comment: This variant, c.1693_1695del, results in the deletion of 1 amino acid(s) of the CACNB2 protein (p.Asn565del), but otherwise preserves the integrity of the reading frame. This variant is present in population databases (rs777478383, gnomAD 0.002%). This variant has not been reported in the literature in individuals affected with CACNB2-related conditions. ClinVar contains an entry for this variant (Variation ID: 2139931). Experimental studies and prediction algorithms are not available or were not evaluated, and the functional significance of this variant is currently unknown. In summary, the available evidence is currently insufficient to determine the role of this variant in disease. Therefore, it has been classified as a Variant of Uncertain Significance.